The following is an entry in ClinVar:

ClinVar aggregate classification (germline): Uncertain significance. Review status: criteria provided, multiple submitters, no conflicts (2 of 4 stars). 2 submissions from 2 submitters: Uncertain significance (2). Last evaluated 2025-05-09.

Conditions:
Aortic aneurysm, familial thoracic 7 (AAT7). Also called: AORTIC DISSECTION, FAMILIAL, WITH OR WITHOUT AORTIC ANEURYSM. Identifiers: MedGen C3151077, MONDO:0013418, OMIM 613780.

Allele frequency attached by ClinVar (database versions not stated): gnomAD exomes below 0.00001; ExAC 0.00001.

Submissions (2):

Labcorp Genetics (formerly Invitae), Labcorp
Classification: Uncertain significance for Aortic aneurysm, familial thoracic 7. Last evaluated: 2025-05-09. Review status: criteria provided, single submitter. Criteria: Invitae Variant Classification Sherloc (09022015). Collection method: clinical testing. Allele origin: germline.
Comment: This sequence change affects the initiator codon of the MYLK mRNA. This change may impact translation initiation or efficiency. The next in-frame methionine is located at codon 27. This variant is present in population databases (rs776588381, gnomAD 0.0009%). This variant has not been reported in the literature in individuals affected with MYLK-related conditions. ClinVar contains an entry for this variant (Variation ID: 853304). In summary, the available evidence is currently insufficient to determine the role of this variant in disease. Therefore, it has been classified as a Variant of Uncertain Significance.

AiLife Diagnostics
Classification: Uncertain significance. Last evaluated: 2021-09-20. Review status: criteria provided, single submitter. Criteria: ACMG Guidelines, 2015. Collection method: clinical testing. Allele origin: germline. Affected: yes. Observed: 1 variant allele.

NM_053025.4(MYLK):c.1A>G (p.Met1Val)

Gene: MYLK (myosin light chain kinase; minus strand). Cytogenetic location: 3q21.1.
Variant type: single nucleotide variant.
Coding change: c.1A>G on transcript NM_053025.4 (MANE Select); coding-DNA position 1, A replaced by G.
Protein change: p.Met1Val; changes the start codon (methionine 1).
Molecular consequence: missense variant, initiator codon variant. On other transcripts: 5 prime UTR variant (1).
Genome position (GRCh38, 1-based): chr3:123,793,841, T>C on the plus strand (A>G on the coding strand, the complement: MYLK is on the minus strand). VCF-style: chr3-123793841-T-C. GRCh37 (hg19) VCF-style: chr3-123512688-T-C.
Other names: c.-320A>G (NM_001321309.2); c.1A>G, p.Met1Val (NM_053026.4, NM_053027.4, NM_053028.4); short protein forms M1V.
Identifiers: ClinVar variation 853304 (VCV000853304.11), dbSNP rs776588381, ClinGen allele CA068288.